The following is an entry in ClinVar:

ClinVar aggregate classification (germline): Benign/Likely benign. Review status: criteria provided, multiple submitters, no conflicts (2 of 4 stars). 2 submissions from 2 submitters: Benign (1); Likely benign (1). Last evaluated 2025-03-26.

Conditions:
Peutz-Jeghers syndrome (PJS). Also called: POLYPOSIS, HAMARTOMATOUS INTESTINAL; POLYPS-AND-SPOTS SYNDROME; Peutz-Jeghers polyposis; Periorificial lentiginosis syndrome. Identifiers: Orphanet 2869, MedGen C0031269, MeSH D010580, MONDO:0008280, OMIM 175200.

Submissions (2):

Myriad Genetics, Inc.
Classification: Benign for Peutz-Jeghers syndrome. Last evaluated: 2025-03-26. Review status: criteria provided, single submitter. Criteria: Myriad Autosomal Dominant, Autosomal Recessive and X-Linked Classification Criteria (2023). Collection method: clinical testing. Allele origin: unknown.
Comment: This variant is considered benign. This variant is a silent/synonymous amino acid change and it is not expected to impact splicing.

Labcorp Genetics (formerly Invitae), Labcorp
Classification: Likely benign for Peutz-Jeghers syndrome. Last evaluated: 2024-03-16. Review status: criteria provided, single submitter. Criteria: Invitae Variant Classification Sherloc (09022015). Collection method: clinical testing. Allele origin: germline.

NM_000455.5(STK11):c.609G>T (p.Pro203=)

Gene: STK11 (serine/threonine kinase 11; plus strand). Cytogenetic location: 19p13.3.
Variant type: single nucleotide variant.
Coding change: c.609G>T on transcript NM_000455.5 (MANE Select); coding-DNA position 609, G replaced by T.
Protein change: p.Pro203=; no amino-acid change (proline 203 retained).
Molecular consequence: synonymous variant.
Genome position (GRCh38, 1-based): chr19:1,220,592, G>T. VCF-style: chr19-1220592-G-T. GRCh37 (hg19) VCF-style: chr19-1220591-G-T.
Identifiers: ClinVar variation 752869 (VCV000752869.11), dbSNP rs786201228, ClinGen allele CA504892369.
Genomic context (GRCh38, chr19:1,220,592, plus strand): 5'-GGGCGCCCCCTCCCGGGCACTCCCTGAGGGCTGCACGGCACCGCCACAGGCACTGCACCC[G>T]TTCGCGGCGGACGACACCTGCCGGACCAGCCAGGGCTCCCCGGCTTTCCAGCCGCCCGAG-3'
Protein context (NP_000446.1, residues 193-213): SDLGVAEALH[Pro203=]FAADDTCRTS